The following is an entry in ClinVar:

ClinVar aggregate classification (germline): Pathogenic (1 of 4 stars; one submission).

Conditions:
Genitopatellar syndrome (GTPTS). Also called: ABSENT PATELLAE, SCROTAL HYPOPLASIA, RENAL ANOMALIES, FACIAL DYSMORPHISM, AND MENTAL RETARDATION; Genitopatellar syndrome (GPS). Identifiers: Orphanet 85201, MedGen C1853566, MONDO:0011640, OMIM 606170.

Submission:

Labcorp Genetics (formerly Invitae), Labcorp
Classification: Pathogenic for Genitopatellar syndrome. Last evaluated: 2025-11-17. Review status: criteria provided, single submitter. Criteria: Invitae Variant Classification Sherloc (09022015). Collection method: clinical testing. Allele origin: germline.
Comment: This sequence change creates a premature translational stop signal (p.Glu1083*) in the KAT6B gene. It is expected to result in an absent or disrupted protein product. Loss-of-function variants in KAT6B are known to be pathogenic (PMID: 22077973, 23436491, 25424711). This variant is not present in population databases (gnomAD no frequency). This variant has not been reported in the literature in individuals affected with KAT6B-related conditions. For these reasons, this variant has been classified as Pathogenic.

Literature cited by the submitters: PubMed 22077973; PubMed 23436491; PubMed 25424711.

NM_012330.4(KAT6B):c.3247G>T (p.Glu1083Ter)

Gene: KAT6B (lysine acetyltransferase 6B; plus strand). Cytogenetic location: 10q22.2.
Variant type: single nucleotide variant.
Coding change: c.3247G>T on transcript NM_012330.4 (MANE Select); coding-DNA position 3247, G replaced by T.
Protein change: p.Glu1083Ter; replaces glutamic acid 1083 with a stop codon.
Molecular consequence: nonsense.
Genome position (GRCh38, 1-based): chr10:75,022,106, G>T. VCF-style: chr10-75022106-G-T. GRCh37 (hg19) VCF-style: chr10-76781864-G-T.
Other names: c.2698G>T, p.Glu900Ter (NM_001256468.2, NM_001370138.1); c.2371G>T, p.Glu791Ter (NM_001256469.2, NM_001370139.1, NM_001370140.1 and 2 more transcripts); c.2209G>T, p.Glu737Ter (NM_001370132.1); c.1558G>T, p.Glu520Ter (NM_001370133.1); c.1162G>T, p.Glu388Ter (NM_001370134.1); c.904G>T, p.Glu302Ter (NM_001370135.1); c.3247G>T, p.Glu1083Ter (NM_001370136.1, NM_001370137.1); c.2182G>T, p.Glu728Ter (NM_001370143.1, NM_001370144.1); short protein forms E388*, E728*, E737*, E1083*, E520*, E302*, E791*, E900*.
Identifiers: ClinVar variation 4731364 (VCV004731364.1).